The following is an entry in ClinVar:

NM_014319.5(LEMD3):c.2702G>A (p.Arg901Gln)

Gene: LEMD3 (LEM domain containing 3; plus strand). Cytogenetic location: 12q14.3.
Variant type: single nucleotide variant.
Coding change: c.2702G>A on transcript NM_014319.5 (MANE Select); coding-DNA position 2702, G replaced by A.
Protein change: p.Arg901Gln; replaces arginine 901 with glutamine.
Molecular consequence: missense variant.
Genome position (GRCh38, 1-based): chr12:65,246,291, G>A. VCF-style: chr12-65246291-G-A. GRCh37 (hg19) VCF-style: chr12-65640071-G-A.
Other names: c.2699G>A, p.Arg900Gln (NM_001167614.2); short protein forms R900Q, R901Q.
Identifiers: ClinVar variation 1007350 (VCV001007350.6), dbSNP rs376532238, ClinGen allele CA6671285.

ClinVar aggregate classification (germline): Uncertain significance (1 of 4 stars; one submission).

Allele frequency attached by ClinVar (database versions not stated): gnomAD 0.00004 and 0.00005; TOPMed 0.00005; ExAC 0.00008; ESP Exome Variant Server 0.00008.
gnomAD v4.1: 104 of 1,613,348 alleles (0.0064%); highest among the groups gnomAD compares: Middle Eastern, 0.082%; no homozygotes.

Submission:

Labcorp Genetics (formerly Invitae), Labcorp
Classification: Uncertain significance. Last evaluated: 2025-12-29. Review status: criteria provided, single submitter. Criteria: Invitae Variant Classification Sherloc (09022015). Collection method: clinical testing. Allele origin: germline.
Comment: This sequence change replaces arginine, which is basic and polar, with glutamine, which is neutral and polar, at codon 901 of the LEMD3 protein (p.Arg901Gln). This variant is present in population databases (rs376532238, gnomAD 0.01%). This variant has not been reported in the literature in individuals affected with LEMD3-related conditions. ClinVar contains an entry for this variant (Variation ID: 1007350). An algorithm developed to predict the effect of missense changes on protein structure and function (PolyPhen-2) suggests that this variant is likely to be disruptive. In summary, the available evidence is currently insufficient to determine the role of this variant in disease. Therefore, it has been classified as a Variant of Uncertain Significance.